The following is an entry in ClinVar:

NM_181426.2(CCDC39):c.2795G>A (p.Ser932Asn)

Genes: CCDC39 (coiled-coil domain 39 molecular ruler complex subunit; minus strand), TTC14 (tetratricopeptide repeat domain 14; plus strand). Cytogenetic location: 3q26.33.
Variant type: single nucleotide variant.
Coding change: c.2795G>A on transcript NM_181426.2 (MANE Select); coding-DNA position 2795, G replaced by A.
Protein change: p.Ser932Asn; replaces serine 932 with asparagine.
Molecular consequence: missense variant. On other transcripts: intron variant (1).
Genome position (GRCh38, 1-based): chr3:180,614,952, C>T on the plus strand (G>A on the coding strand, the complement: CCDC39 is on the minus strand). VCF-style: chr3-180614952-C-T. GRCh37 (hg19) VCF-style: chr3-180332740-C-T.
Other names: c.1775-2428C>T (NM_001288582.2); short protein forms S932N.
Identifiers: ClinVar variation 940185 (VCV000940185.10), dbSNP rs199649763, ClinGen allele CA2715591.

ClinVar aggregate classification (germline): Conflicting classifications of pathogenicity. Review status: criteria provided, conflicting classifications (1 of 4 stars). 3 submissions from 3 submitters: Uncertain significance (2); Likely benign (1). Last evaluated 2022-09-06.

Conditions:
Primary ciliary dyskinesia. Also called: Ciliary dyskinesia. Identifiers: Orphanet 244, MedGen C0008780, MONDO:0016575, HP:0012265.

Allele frequency attached by ClinVar (database versions not stated): gnomAD 0.00044 and 0.00042; 1000 Genomes Project 0.00060; gnomAD exomes 0.00004 and 0.00006; ESP Exome Variant Server 0.00051; 1000 Genomes Project 30x 0.00062; ExAC 0.00026; TOPMed 0.00051.
gnomAD v4.1: 126 of 1,565,490 alleles (0.008%); highest among the groups gnomAD compares: African/African-American, 0.16%; no homozygotes.

Submissions (3):

GeneDx
Classification: Uncertain significance. Last evaluated: 2022-09-06. Review status: criteria provided, single submitter. Criteria: GeneDx Variant Classification Process June 2021. Collection method: clinical testing. Allele origin: germline. Affected: yes.
Comment: In silico analysis supports that this missense variant does not alter protein structure/function; Has not been previously published as pathogenic or benign to our knowledge

Labcorp Genetics (formerly Invitae), Labcorp
Classification: Uncertain significance for Primary ciliary dyskinesia. Last evaluated: 2022-07-21. Review status: criteria provided, single submitter. Criteria: Invitae Variant Classification Sherloc (09022015). Collection method: clinical testing. Allele origin: germline.
Comment: This sequence change replaces serine, which is neutral and polar, with asparagine, which is neutral and polar, at codon 932 of the CCDC39 protein (p.Ser932Asn). This variant is present in population databases (rs199649763, gnomAD 0.1%). This variant has not been reported in the literature in individuals affected with CCDC39-related conditions. ClinVar contains an entry for this variant (Variation ID: 940185). Algorithms developed to predict the effect of missense changes on protein structure and function output the following: SIFT: "Tolerated"; PolyPhen-2: "Not Available"; Align-GVGD: "Class C0". The asparagine amino acid residue is found in multiple mammalian species, which suggests that this missense change does not adversely affect protein function. In summary, the available evidence is currently insufficient to determine the role of this variant in disease. Therefore, it has been classified as a Variant of Uncertain Significance.

Ambry Genetics
Classification: Likely benign for Primary ciliary dyskinesia. Last evaluated: 2021-08-04. Review status: criteria provided, single submitter. Criteria: Ambry Variant Classification Scheme 2023. Collection method: clinical testing. Allele origin: germline.